The following is an entry in ClinVar:

ClinVar aggregate classification (germline): Uncertain significance. Review status: criteria provided, multiple submitters, no conflicts (2 of 4 stars). 3 submissions from 3 submitters: Uncertain significance (3). Last evaluated 2022-10-10.

Conditions:
Alstrom syndrome (ALMS). Identifiers: Orphanet 64, MedGen C0268425, MONDO:0008763, OMIM 203800.

Submissions (3):

GeneDx
Classification: Uncertain significance. Last evaluated: 2022-10-10. Review status: criteria provided, single submitter. Criteria: GeneDx Variant Classification Process June 2021. Collection method: clinical testing. Allele origin: germline. Affected: yes.
Comment: Not observed at significant frequency in large population cohorts (gnomAD); In silico analysis supports that this missense variant does not alter protein structure/function; Has not been previously published as pathogenic or benign to our knowledge

Labcorp Genetics (formerly Invitae), Labcorp
Classification: Uncertain significance for Alstrom syndrome. Last evaluated: 2021-02-24. Review status: criteria provided, single submitter. Criteria: Invitae Variant Classification Sherloc (09022015). Collection method: clinical testing. Allele origin: germline.
Comment: This sequence change replaces serine with phenylalanine at codon 3194 of the ALMS1 protein (p.Ser3194Phe). The serine residue is moderately conserved and there is a large physicochemical difference between serine and phenylalanine. This variant is not present in population databases (ExAC no frequency). This variant has not been reported in the literature in individuals with ALMS1-related conditions. Experimental studies and prediction algorithms are not available or were not evaluated, and the functional significance of this variant is currently unknown. In summary, the available evidence is currently insufficient to determine the role of this variant in disease. Therefore, it has been classified as a Variant of Uncertain Significance.

Blueprint Genetics
Classification: Uncertain significance. Last evaluated: 2017-07-13. Review status: criteria provided, single submitter. Criteria: ACMG Guidelines, 2015. Collection method: clinical testing. Allele origin: germline.

NM_001378454.1(ALMS1):c.9578C>T (p.Ser3193Phe)

Gene: ALMS1 (ALMS1 centrosome and basal body associated protein; plus strand). Cytogenetic location: 2p13.1.
Variant type: single nucleotide variant.
Coding change: c.9578C>T on transcript NM_001378454.1 (MANE Select); coding-DNA position 9578, C replaced by T.
Protein change: p.Ser3193Phe; replaces serine 3193 with phenylalanine.
Molecular consequence: missense variant.
Genome position (GRCh38, 1-based): chr2:73,519,813, C>T. VCF-style: chr2-73519813-C-T. GRCh37 (hg19) VCF-style: chr2-73746940-C-T.
Other names: c.9581C>T, p.Ser3194Phe (NM_015120.4); short protein forms S3193F, S3194F.
Identifiers: ClinVar variation 2417154 (VCV002417154.5), dbSNP rs2466303174, ClinGen allele CA347280862.